The following is an entry in ClinVar:

NM_000094.4(COL7A1):c.1528C>T (p.Pro510Ser)

Gene: COL7A1 (collagen type VII alpha 1 chain; minus strand). Cytogenetic location: 3p21.31.
Variant type: single nucleotide variant.
Coding change: c.1528C>T on transcript NM_000094.4 (MANE Select); coding-DNA position 1528, C replaced by T.
Protein change: p.Pro510Ser; replaces proline 510 with serine.
Molecular consequence: missense variant.
Genome position (GRCh38, 1-based): chr3:48,591,572, G>A on the plus strand (C>T on the coding strand, the complement: COL7A1 is on the minus strand). VCF-style: chr3-48591572-G-A. GRCh37 (hg19) VCF-style: chr3-48629005-G-A.
Other names: short protein forms P510S.
Identifiers: ClinVar variation 3006791 (VCV003006791.3), dbSNP rs2531311681, ClinGen allele CA352733367.

ClinVar aggregate classification (germline): Uncertain significance (1 of 4 stars; one submission).

Submission:

Labcorp Genetics (formerly Invitae), Labcorp
Classification: Uncertain significance. Last evaluated: 2022-11-23. Review status: criteria provided, single submitter. Criteria: Invitae Variant Classification Sherloc (09022015). Collection method: clinical testing. Allele origin: germline.
Comment: This sequence change replaces proline, which is neutral and non-polar, with serine, which is neutral and polar, at codon 510 of the COL7A1 protein (p.Pro510Ser). This variant is not present in population databases (gnomAD no frequency). This variant has not been reported in the literature in individuals affected with COL7A1-related conditions. Advanced modeling of protein sequence and biophysical properties (such as structural, functional, and spatial information, amino acid conservation, physicochemical variation, residue mobility, and thermodynamic stability) performed at Invitae indicates that this missense variant is not expected to disrupt COL7A1 protein function. In summary, the available evidence is currently insufficient to determine the role of this variant in disease. Therefore, it has been classified as a Variant of Uncertain Significance.